The following is an entry in ClinVar:

NM_002693.3(POLG):c.256C>G (p.Gln86Glu)

Genes: POLG (DNA polymerase gamma, catalytic subunit; minus strand), POLGARF (POLG alternative reading frame; minus strand). Cytogenetic location: 15q26.1.
Variant type: single nucleotide variant.
Coding change: c.256C>G on transcript NM_002693.3 (MANE Select); coding-DNA position 256, C replaced by G.
Protein change: p.Gln86Glu; replaces glutamine 86 with glutamic acid.
Molecular consequence: missense variant.
Genome position (GRCh38, 1-based): chr15:89,333,499, G>C on the plus strand (C>G on the coding strand, the complement: POLG is on the minus strand). VCF-style: chr15-89333499-G-C. GRCh37 (hg19) VCF-style: chr15-89876730-G-C.
Other names: c.256C>G, p.Gln86Glu (NM_001126131.2); short protein forms Q86E.
Identifiers: ClinVar variation 1363769 (VCV001363769.5), dbSNP rs2141815363, ClinGen allele CA393773250.

ClinVar aggregate classification (germline): Uncertain significance (1 of 4 stars; one submission).

Conditions:
Progressive sclerosing poliodystrophy (MTDPS4A). Also called: NEURONAL DEGENERATION OF CHILDHOOD WITH LIVER DISEASE, PROGRESSIVE; Alpers Syndrome; ALPERS DIFFUSE DEGENERATION OF CEREBRAL GRAY MATTER WITH HEPATIC CIRRHOSIS; Alpers-Huttenlocher Syndrome; Mitochondrial DNA depletion syndrome 4A (Alpers type); Mitochondrial DNA Depletion Syndrome 4A. Identifiers: Orphanet 726, MedGen C0205710, MONDO:0008758, OMIM 203700.

Allele frequency attached by ClinVar (database versions not stated): gnomAD exomes below 0.00001.
gnomAD v4.1: 4 of 1,612,724 alleles (0.00025%); highest among the groups gnomAD compares: Non-Finnish European, 0.00034%; no homozygotes.

Submission:

Labcorp Genetics (formerly Invitae), Labcorp
Classification: Uncertain significance for Progressive sclerosing poliodystrophy. Last evaluated: 2021-09-01. Review status: criteria provided, single submitter. Criteria: Invitae Variant Classification Sherloc (09022015). Collection method: clinical testing. Allele origin: germline.
Comment: This sequence change replaces glutamine with glutamic acid at codon 86 of the POLG protein (p.Gln86Glu). The glutamine residue is highly conserved and there is a small physicochemical difference between glutamine and glutamic acid. This variant is not present in population databases (ExAC no frequency). This variant has not been reported in the literature in individuals affected with POLG-related conditions. Algorithms developed to predict the effect of missense changes on protein structure and function are either unavailable or do not agree on the potential impact of this missense change (SIFT: "Tolerated"; PolyPhen-2: "Probably Damaging"; Align-GVGD: "Class C0"). In summary, the available evidence is currently insufficient to determine the role of this variant in disease. Therefore, it has been classified as a Variant of Uncertain Significance.